The following is an entry in ClinVar:

NM_016239.4(MYO15A):c.2834G>A (p.Gly945Glu)

Gene: MYO15A (myosin XVA; plus strand). Cytogenetic location: 17p11.2.
Variant type: single nucleotide variant.
Coding change: c.2834G>A on transcript NM_016239.4 (MANE Select); coding-DNA position 2834, G replaced by A.
Protein change: p.Gly945Glu; replaces glycine 945 with glutamic acid.
Molecular consequence: missense variant.
Genome position (GRCh38, 1-based): chr17:18,121,634, G>A. VCF-style: chr17-18121634-G-A. GRCh37 (hg19) VCF-style: chr17-18024948-G-A.
Other names: short protein forms G945E.
Identifiers: ClinVar variation 1338943 (VCV001338943.35), dbSNP rs377573336, ClinGen allele CA8423316.

ClinVar aggregate classification (germline): Uncertain significance. Review status: criteria provided, multiple submitters, no conflicts (2 of 4 stars). 5 submissions from 5 submitters: Uncertain significance (5). Last evaluated 2025-12-16.

Conditions:
MYO15A-related disorder. Also called: MYO15A-related condition.
Inborn genetic diseases. Identifiers: MedGen C0950123, MeSH D030342.

Allele frequency attached by ClinVar (database versions not stated): gnomAD 0.00001 and 0.00003; gnomAD exomes 0.00003; TOPMed 0.00003; ExAC 0.00008; 1000 Genomes Project 30x 0.00031; 1000 Genomes Project 0.00040.
gnomAD v4.1: 54 of 1,603,944 alleles (0.0034%); highest among the groups gnomAD compares: Middle Eastern, 0.12%; 1 homozygote.

Submissions (5):

Ambry Genetics
Classification: Uncertain significance for Inborn genetic diseases. Last evaluated: 2025-12-16. Review status: criteria provided, single submitter. Criteria: Ambry Variant Classification Scheme 2023. Collection method: clinical testing. Allele origin: germline.

PreventionGenetics, part of Exact Sciences
Classification: Uncertain significance for MYO15A-related condition. Last evaluated: 2025-02-18. Review status: criteria provided, single submitter. Criteria: ACMG Guidelines, 2015. Collection method: clinical testing. Allele origin: germline.
Comment: The MYO15A c.2834G>A variant is predicted to result in the amino acid substitution p.Gly945Glu. To our knowledge, this variant has not been reported in the literature. This variant is reported in 0.015% of alleles in individuals of African descent in gnomAD. At this time, the clinical significance of this variant is uncertain due to the absence of conclusive functional and genetic evidence.

Labcorp Genetics (formerly Invitae), Labcorp
Classification: Uncertain significance. Last evaluated: 2024-02-17. Review status: criteria provided, single submitter. Criteria: Invitae Variant Classification Sherloc (09022015). Collection method: clinical testing. Allele origin: germline.
Comment: This sequence change replaces glycine, which is neutral and non-polar, with glutamic acid, which is acidic and polar, at codon 945 of the MYO15A protein (p.Gly945Glu). This variant is present in population databases (rs377573336, gnomAD 0.01%). This variant has not been reported in the literature in individuals affected with MYO15A-related conditions. ClinVar contains an entry for this variant (Variation ID: 1338943). Advanced modeling of protein sequence and biophysical properties (such as structural, functional, and spatial information, amino acid conservation, physicochemical variation, residue mobility, and thermodynamic stability) performed at Invitae indicates that this missense variant is not expected to disrupt MYO15A protein function with a negative predictive value of 95%. In summary, the available evidence is currently insufficient to determine the role of this variant in disease. Therefore, it has been classified as a Variant of Uncertain Significance.

GeneDx
Classification: Uncertain significance. Last evaluated: 2024-01-04. Review status: criteria provided, single submitter. Criteria: GeneDx Variant Classification Process June 2021. Collection method: clinical testing. Allele origin: germline. Affected: yes.
Comment: In silico analysis supports that this missense variant does not alter protein structure/function; Has not been previously published as pathogenic or benign to our knowledge

CeGaT Center for Human Genetics Tuebingen
Classification: Uncertain significance. Last evaluated: 2023-02-01. Review status: criteria provided, single submitter. Criteria: CeGaT Center For Human Genetics Tuebingen Variant Classification Criteria Version 2. Collection method: clinical testing. Allele origin: germline. Affected: yes. Observed: 1 variant allele.
Comment: MYO15A: PM2